The following is an entry in ClinVar:

ClinVar aggregate classification (germline): Uncertain significance. Review status: criteria provided, multiple submitters, no conflicts (2 of 4 stars). 2 submissions from 2 submitters: Uncertain significance (2). Last evaluated 2025-01-09.

Conditions:
Intellectual developmental disorder, X-linked, syndromic 33. Also called: X-linked intellectual disability-global development delay-facial dysmorphism-sacral caudal remnant syndrome; Intellectual disability, X-linked, syndromic 33. Identifiers: Orphanet 480907, MedGen C4225418, MONDO:0010500, OMIM 300966.

Allele frequency attached by ClinVar (database versions not stated): gnomAD exomes below 0.00001 and 0.00001; ExAC 0.00003; TOPMed 0.00003; gnomAD 0.00005.
gnomAD v4.1: 6 of 1,193,250 alleles (0.0005%); highest among the groups gnomAD compares: African/African-American, 0.011%; no homozygotes.

Submissions (2):

Revvity Omics, Revvity
Classification: Uncertain significance. Last evaluated: 2025-01-09. Review status: criteria provided, single submitter. Criteria: ACMG Guidelines, 2015. Collection method: clinical testing. Allele origin: germline.

Centre for Mendelian Genomics, University Medical Centre Ljubljana
Classification: Uncertain significance for Intellectual developmental disorder, X-linked, syndromic 33. Last evaluated: 2018-10-24. Review status: criteria provided, single submitter. Criteria: ACMG Guidelines, 2015. Collection method: clinical testing. Allele origin: unknown. Affected: yes.
Comment: This variant was classified as: Uncertain significance. The available evidence on this variant's pathogenicity is insufficient or conflicting. The following ACMG criteria were applied in classifying this variant: PM2. This variant was detected in hemizygous state.

NM_004606.5(TAF1):c.5596G>A (p.Asp1866Asn)

Gene: TAF1 (TATA-box binding protein associated factor 1; plus strand). Cytogenetic location: Xq13.1.
Variant type: single nucleotide variant.
Coding change: c.5596G>A on transcript NM_004606.5 (MANE Select); coding-DNA position 5596, G replaced by A.
Protein change: p.Asp1866Asn; replaces aspartic acid 1866 with asparagine.
Molecular consequence: missense variant.
Genome position (GRCh38, 1-based): chrX:71,464,020, G>A. VCF-style: chrX-71464020-G-A. GRCh37 (hg19) VCF-style: chrX-70683870-G-A.
Other names: c.5656G>A (NM_004606.4); c.5602G>A, p.Asp1868Asn (NM_001286074.2); c.5533G>A, p.Asp1845Asn (NM_138923.4); short protein forms D1866N, D1868N, D1845N.
Identifiers: ClinVar variation 930914 (VCV000930914.4), dbSNP rs779974166, ClinGen allele CA10447420.